The following is an entry in ClinVar:

NM_015338.6(ASXL1):c.2789G>A (p.Trp930Ter)

Gene: ASXL1 (ASXL transcriptional regulator 1; plus strand). Cytogenetic location: 20q11.21.
Variant type: single nucleotide variant.
Coding change: c.2789G>A on transcript NM_015338.6 (MANE Select); coding-DNA position 2789, G replaced by A.
Protein change: p.Trp930Ter; replaces tryptophan 930 with a stop codon.
Molecular consequence: nonsense.
Genome position (GRCh38, 1-based): chr20:32,435,501, G>A. VCF-style: chr20-32435501-G-A. GRCh37 (hg19) VCF-style: chr20-31023304-G-A.
Other names: c.2606G>A, p.Trp869Ter (NM_001363734.1); short protein forms W869*, W930*.
Identifiers: ClinVar variation 3062126 (VCV003062126.1), dbSNP rs2515571395, ClinGen allele CA408561262.

ClinVar aggregate classification (germline): Pathogenic (1 of 4 stars; one submission).

Conditions:
Bohring-Opitz syndrome. Also called: C-LIKE SYNDROME; BOHRING SYNDROME; OPITZ TRIGONOCEPHALY-LIKE SYNDROME; ASXL1-Related Bohring-Opitz Syndrome. Identifiers: Orphanet 97297, MedGen C0796232, MONDO:0011510, OMIM 605039.

Submission:

Illumina Laboratory Services, Illumina
Classification: Pathogenic for Bohring-Opitz syndrome. Last evaluated: 2017-09-22. Review status: criteria provided, single submitter. Criteria: ICSLVariantClassificationCriteria RUGD 01 April 2020. Collection method: clinical testing. Allele origin: unknown.
Comment: The ASXL1 c.2789G>A p.(Trp930Ter) nonsense variant is expected to result in the loss of normal protein function through either protein truncation or nonsense-mediated mRNA decay. To our knowledge, this variant has not been reported in the peer-reviewed literature. This variant is not observed in version 2.1.1 of the Genome Aggregation Database. Based on the available evidence, the c.2789G>A p.(Trp930Ter) variant is classified as pathogenic for Bohring-Opitz syndrome.